The following is an entry in ClinVar:

NM_001134831.2(AHI1):c.2036+20A>G

Gene: AHI1 (Abelson helper integration site 1; minus strand). Cytogenetic location: 6q23.3.
Variant type: single nucleotide variant.
Coding change: c.2036+20A>G on transcript NM_001134831.2 (MANE Select); 20 bases into the intron after coding-DNA position 2036, A replaced by G.
Molecular consequence: intron variant.
Genome position (GRCh38, 1-based): chr6:135,438,355, T>C on the plus strand (A>G on the coding strand, the complement: AHI1 is on the minus strand). VCF-style: chr6-135438355-T-C. GRCh37 (hg19) VCF-style: chr6-135759493-T-C.
Other names: c.2036+20A>G (NM_001134830.2, NM_001350503.2, NM_017651.5 and 2 more transcripts).
Identifiers: ClinVar variation 511914 (VCV000511914.4), dbSNP rs757547033, ClinGen allele CA4012461.

ClinVar aggregate classification (germline): Likely benign. Review status: criteria provided, multiple submitters, no conflicts (2 of 4 stars). 2 submissions from 2 submitters: Likely benign (2). Last evaluated 2023-09-21.

Conditions:
Joubert syndrome. Also called: CEREBELLOPARENCHYMAL DISORDER IV; JOUBERT-BOLTSHAUSER SYNDROME; Familial aplasia of the vermis. Identifiers: Orphanet 475, MedGen C5979921, MONDO:0018772.

Allele frequency attached by ClinVar (database versions not stated): TOPMed 0.00001; ExAC 0.00002; gnomAD exomes 0.00002.
gnomAD v4.1: 31 of 1,573,766 alleles (0.002%); highest among the groups gnomAD compares: Non-Finnish European, 0.0027%; no homozygotes.

Submissions (2):

Labcorp Genetics (formerly Invitae), Labcorp
Classification: Likely benign for Joubert syndrome. Last evaluated: 2023-09-21. Review status: criteria provided, single submitter. Criteria: Invitae Variant Classification Sherloc (09022015). Collection method: clinical testing. Allele origin: germline.

GeneDx
Classification: Likely benign. Last evaluated: 2017-09-06. Review status: criteria provided, single submitter. Criteria: GeneDx Variant Classification (06012015). Collection method: clinical testing. Allele origin: germline. Affected: yes.
Comment: This variant is considered likely benign or benign based on one or more of the following criteria: it is a conservative change, it occurs at a poorly conserved position in the protein, it is predicted to be benign by multiple in silico algorithms, and/or has population frequency not consistent with disease.